The following is an entry in ClinVar:

ClinVar aggregate classification (germline): Likely benign. Review status: criteria provided, single submitter (1 of 4 stars). 2 submissions from 2 submitters: Likely benign (1). 1 of the submissions does not count toward it. Last evaluated 2024-07-18.

Conditions:
TSHZ1-related disorder. Also called: TSHZ1-related condition.

Allele frequency attached by ClinVar (database versions not stated): gnomAD exomes 0.00030 and 0.00072; ExAC 0.00086; ESP Exome Variant Server 0.00308; gnomAD 0.00354 and 0.00366; 1000 Genomes Project 0.00359; TOPMed 0.00388 and 0.00413; 1000 Genomes Project 30x 0.00422.
gnomAD v4.1: 1,011 of 1,614,130 alleles (0.063%); highest among the groups gnomAD compares: African/African-American, 1.2%; 10 homozygotes.

Submissions (2):

Blueprint Genetics
Classification: Likely benign. Last evaluated: 2024-07-18. Review status: criteria provided, single submitter. Criteria: ACMG Guidelines, 2015. Collection method: clinical testing. Allele origin: germline.

PreventionGenetics, part of Exact Sciences
Classification: Benign for TSHZ1-related condition. Last evaluated: 2019-07-15. Review status: no assertion criteria provided. Collection method: clinical testing. Allele origin: germline. Not counted in ClinVar's aggregate classification.
Comment: This variant is classified as benign based on ACMG/AMP sequence variant interpretation guidelines (Richards et al. 2015 PMID: 25741868, with internal and published modifications).

NM_001308210.2(TSHZ1):c.777G>A (p.Val259=)

Gene: TSHZ1 (teashirt zinc finger homeobox 1; plus strand). Cytogenetic location: 18q22.3.
Variant type: single nucleotide variant.
Coding change: c.777G>A on transcript NM_001308210.2 (MANE Select); coding-DNA position 777, G replaced by A.
Protein change: p.Val259=; no amino-acid change (valine 259 retained).
Molecular consequence: synonymous variant.
Genome position (GRCh38, 1-based): chr18:75,286,184, G>A. VCF-style: chr18-75286184-G-A. GRCh37 (hg19) VCF-style: chr18-72998139-G-A.
Other names: c.642G>A, p.Val214= (NM_005786.6).
Identifiers: ClinVar variation 3042572 (VCV003042572.3), dbSNP rs148422389, ClinGen allele CA9001903.
Genomic context (GRCh38, chr18:75,286,184, plus strand): 5'-CTTCACGGGCGCCAGCAAGTTCCGGTGCAAAGACTGCAGTGCCGCGTACGACACGCTGGT[G>A]GAACTGACGGTGCACATGAACGAGACAGGCCACTACCGTGACGACAACAGGGACAAGGAC-3'
Protein context (NP_001295139.1, residues 249-269): KDCSAAYDTL[Val259=]ELTVHMNETG